The following is an entry in ClinVar:

ClinVar aggregate classification (germline): Likely benign. Review status: criteria provided, single submitter (1 of 4 stars). 2 submissions from 2 submitters: Likely benign (1). 1 of the submissions does not count toward it. Last evaluated 2025-08-24.

Conditions:
ZIC1-related disorder. Also called: ZIC1-related condition.

Allele frequency attached by ClinVar (database versions not stated): gnomAD exomes 0.00017; ExAC 0.00018; ESP Exome Variant Server 0.00023.

Submissions (2):

Labcorp Genetics (formerly Invitae), Labcorp
Classification: Likely benign. Last evaluated: 2025-08-24. Review status: criteria provided, single submitter. Criteria: Invitae Variant Classification Sherloc (09022015). Collection method: clinical testing. Allele origin: germline.

PreventionGenetics, part of Exact Sciences
Classification: Likely benign for ZIC1-related condition. Last evaluated: 2019-06-06. Review status: no assertion criteria provided. Collection method: clinical testing. Allele origin: germline. Not counted in ClinVar's aggregate classification.
Comment: This variant is classified as likely benign based on ACMG/AMP sequence variant interpretation guidelines (Richards et al. 2015 PMID: 25741868, with internal and published modifications).

NM_003412.4(ZIC1):c.186G>A (p.Thr62=)

Gene: ZIC1 (Zic family zinc finger 1; plus strand). Cytogenetic location: 3q24.
Variant type: single nucleotide variant.
Coding change: c.186G>A on transcript NM_003412.4 (MANE Select); coding-DNA position 186, G replaced by A.
Protein change: p.Thr62=; no amino-acid change (threonine 62 retained).
Molecular consequence: synonymous variant.
Genome position (GRCh38, 1-based): chr3:147,410,298, G>A. VCF-style: chr3-147410298-G-A. GRCh37 (hg19) VCF-style: chr3-147128085-G-A.
Other names: c.186G>A (NM_003412.3).
Identifiers: ClinVar variation 1619792 (VCV001619792.11), dbSNP rs145610267, ClinGen allele CA2657037.